The following is an entry in ClinVar:

NM_017934.7(PHIP):c.1136+7T>C

Gene: PHIP (PHIP subunit of CUL4-Ring ligase complex; minus strand). Cytogenetic location: 6q14.1.
Variant type: single nucleotide variant.
Coding change: c.1136+7T>C on transcript NM_017934.7 (MANE Select); 7 bases into the intron after coding-DNA position 1136, T replaced by C.
Molecular consequence: intron variant.
Genome position (GRCh38, 1-based): chr6:79,017,339, A>G on the plus strand (T>C on the coding strand, the complement: PHIP is on the minus strand). VCF-style: chr6-79017339-A-G. GRCh37 (hg19) VCF-style: chr6-79727056-A-G.
Identifiers: ClinVar variation 4993034 (VCV004993034.1).
Genomic context (GRCh38, chr6:79,017,339, plus strand): 5'-TCTGATGACTAAAATTGTCTTTATTTCATAATTTTAAAATTAGAATTAAATTAGACAAAT[A>G]TTTTACCTGTTACTAGTGTTGGAAAACTGGATACTGTCAACTTTGTCCTATATATAAACA-3'

ClinVar aggregate classification (germline): Likely benign (1 of 4 stars; one submission).

Conditions:
PHIP-related disorder. Also called: PHIP-related disorders; PHIP-related condition.

Submission:

PreventionGenetics, part of Exact Sciences
Classification: Likely benign for PHIP-related condition. Last evaluated: 2026-07-23. Review status: criteria provided, single submitter. Criteria: ACMG Guidelines, 2015. Collection method: clinical testing. Allele origin: germline.
Comment: This variant is classified as likely benign based on ACMG/AMP sequence variant interpretation guidelines (Richards et al. 2015 PMID: 25741868, with internal and published modifications).